The following is an entry in ClinVar:

ClinVar aggregate classification (germline): Conflicting classifications of pathogenicity. Review status: criteria provided, conflicting classifications (1 of 4 stars). 2 submissions from 2 submitters: Uncertain significance (1); Likely benign (1). Last evaluated 2026-08-03.

Conditions:
Inborn genetic diseases. Identifiers: MedGen C0950123, MeSH D030342.
VANGL2-related disorder. Also called: VANGL2-related condition.

Allele frequency attached by ClinVar (database versions not stated): gnomAD 0.00037; gnomAD exomes 0.00071; 1000 Genomes Project 30x 0.00016; 1000 Genomes Project 0.00020; ExAC 0.00039; TOPMed 0.00038; ESP Exome Variant Server 0.00062.
gnomAD v4.1: 1,135 of 1,614,036 alleles (0.07%); highest among the groups gnomAD compares: Non-Finnish European, 0.083%; 3 homozygotes.

Submissions (3):

Ambry Genetics
Classification: Uncertain significance for Inborn genetic diseases. Last evaluated: 2026-08-03. Review status: criteria provided, single submitter. Criteria: Ambry Variant Classification Scheme 2023. Collection method: clinical testing. Allele origin: germline.
Comment: The c.884A>G (p.K295R) alteration is located in exon 5 (coding exon 4) of the VANGL2 gene. This alteration results from a A to G substitution at nucleotide position 884, causing the lysine (K) at amino acid position 295 to be replaced by an arginine (R). Based on data from gnomAD, the G allele has an overall frequency of 0.039% (111/282852) total alleles studied. The highest observed frequency was 0.096% (24/25122) of European (Finnish) alleles. Based on insufficient or conflicting evidence, the clinical significance of this alteration remains unclear.

PreventionGenetics, part of Exact Sciences
Classification: Likely benign for VANGL2-related condition. Last evaluated: 2024-10-24. Review status: criteria provided, single submitter. Criteria: ACMG Guidelines, 2015. Collection method: clinical testing. Allele origin: germline.
Comment: This variant is classified as likely benign based on ACMG/AMP sequence variant interpretation guidelines (Richards et al. 2015 PMID: 25741868, with internal and published modifications).

Dr. Peter K. Rogan Lab, Western University
No classification provided (evidence only). Condition: Thymoma. Review status: no classification provided. Collection method: in vitro. Allele origin: not applicable. Functional consequence: skipped exon. Not counted in ClinVar's aggregate classification.

NM_020335.3(VANGL2):c.884A>G (p.Lys295Arg)

Gene: VANGL2 (VANGL planar cell polarity protein 2; plus strand). Cytogenetic location: 1q23.2.
Variant type: single nucleotide variant.
Coding change: c.884A>G on transcript NM_020335.3 (MANE Select); coding-DNA position 884, A replaced by G.
Protein change: p.Lys295Arg; replaces lysine 295 with arginine.
Molecular consequence: missense variant.
Genome position (GRCh38, 1-based): chr1:160,420,494, A>G. VCF-style: chr1-160420494-A-G. GRCh37 (hg19) VCF-style: chr1-160390284-A-G.
Other names: NC_000001.10:g.160390284A>G; short protein forms K295R.
Identifiers: ClinVar variation 2212864 (VCV002212864.6), dbSNP rs143492133, ClinGen allele CA1199545.